The following is an entry in ClinVar:

ClinVar aggregate classification (germline): Uncertain significance. Review status: criteria provided, multiple submitters, no conflicts (2 of 4 stars). 4 submissions from 4 submitters: Uncertain significance (4). Last evaluated 2026-08-14.

Allele frequency attached by ClinVar (database versions not stated): gnomAD exomes below 0.00001 and 0.00002; ExAC 0.00001.
gnomAD v4.1: 27 of 1,613,528 alleles (0.0017%); highest among the groups gnomAD compares: Non-Finnish European, 0.0022%; no homozygotes.

Submissions (4):

GeneDx
Classification: Uncertain significance. Last evaluated: 2026-08-14. Review status: criteria provided, single submitter. Criteria: GeneDx Variant Classification Process June 2021. Collection method: clinical testing. Allele origin: germline.
Comment: Not observed at significant frequency in large population cohorts (gnomAD); Missense variant in a gene in which most reported pathogenic variants are truncating/loss of function; Has not been previously published as pathogenic or benign to our knowledge

Women's Health and Genetics/Laboratory Corporation of America, LabCorp
Classification: Uncertain significance. Last evaluated: 2026-06-17. Review status: criteria provided, single submitter. Criteria: LabCorp Variant Classification Summary - May 2015. Collection method: clinical testing. Allele origin: germline.
Comment: Variant summary: TTN c.62705A>G (p.Tyr20902Cys) results in a non-conservative amino acid change located in the A-band region of the encoded protein sequence. Algorithms developed to predict the effect of missense changes on protein structure and function all suggest that this variant is likely to be disruptive. The variant allele was found at a frequency of 4e-06 in 248422 control chromosomes (gnomAD). The available data on variant occurrences in the general population are insufficient to allow any conclusion about variant significance. To our knowledge, no occurrence of c.62705A>G in individuals affected with TTN-related conditions and no experimental evidence demonstrating its impact on protein function have been reported. ClinVar contains an entry for this variant (Variation ID: 196064). Based on the evidence outlined above, the variant was classified as uncertain significance.

AiLife Diagnostics
Classification: Uncertain significance. Last evaluated: 2021-10-12. Review status: criteria provided, single submitter. Criteria: ACMG Guidelines, 2015. Collection method: clinical testing. Allele origin: germline. Affected: yes. Observed: 1 variant allele.

Eurofins Ntd Llc (ga)
Classification: Uncertain significance. Last evaluated: 2014-05-30. Review status: criteria provided, single submitter. Criteria: EGL Classification Definitions 2015. Collection method: clinical testing. Allele origin: germline. Observed: 2 variant alleles, 1 heterozygote.

NM_001267550.2(TTN):c.70409A>G (p.Tyr23470Cys)

Genes: TTN (titin; minus strand), TTN-AS1 (TTN antisense RNA 1; plus strand), LOC126806422 (BRD4-independent group 4 enhancer GRCh37_chr2:179440205-179441404; plus strand). Cytogenetic location: 2q31.2.
Variant type: single nucleotide variant.
Coding change: c.70409A>G on transcript NM_001267550.2 (MANE Select); coding-DNA position 70409, A replaced by G.
Protein change: p.Tyr23470Cys; replaces tyrosine 23470 with cysteine.
Molecular consequence: missense variant.
Genome position (GRCh38, 1-based): chr2:178,575,723, T>C on the plus strand (A>G on the coding strand, the complement: TTN is on the minus strand). VCF-style: chr2-178575723-T-C. GRCh37 (hg19) VCF-style: chr2-179440450-T-C.
Other names: c.65486A>G, p.Tyr21829Cys (NM_001256850.1); c.43214A>G, p.Tyr14405Cys (NM_003319.4); c.62705A>G, p.Tyr20902Cys (NM_133378.4); c.43589A>G, p.Tyr14530Cys (NM_133432.3); c.43790A>G, p.Tyr14597Cys (NM_133437.4); c.70409A>G (NM_001267550.1); short protein forms Y23470C, Y20902C, Y14405C, Y21829C, Y14597C, Y14530C.
Identifiers: ClinVar variation 196064 (VCV000196064.9), dbSNP rs750891099, ClinGen allele CA242825.